The following is an entry in ClinVar:

ClinVar aggregate classification (germline): Uncertain significance. Review status: criteria provided, multiple submitters, no conflicts (2 of 4 stars). 2 submissions from 2 submitters: Uncertain significance (2). Last evaluated 2025-10-06.

Conditions:
Inborn genetic diseases. Identifiers: MedGen C0950123, MeSH D030342.

Submissions (2):

Ambry Genetics
Classification: Uncertain significance for Inborn genetic diseases. Last evaluated: 2025-10-06. Review status: criteria provided, single submitter. Criteria: Ambry Variant Classification Scheme 2023. Collection method: clinical testing. Allele origin: germline.

GeneDx
Classification: Uncertain significance. Last evaluated: 2025-02-05. Review status: criteria provided, single submitter. Criteria: GeneDx Variant Classification Process June 2021. Collection method: clinical testing. Allele origin: germline. Affected: yes.
Comment: In silico analysis supports that this missense variant has a deleterious effect on protein structure/function; Has not been previously published as pathogenic or benign to our knowledge

NM_005529.7(HSPG2):c.11479G>T (p.Gly3827Cys)

Gene: HSPG2 (heparan sulfate proteoglycan 2; minus strand). Cytogenetic location: 1p36.12.
Variant type: single nucleotide variant.
Coding change: c.11479G>T on transcript NM_005529.7 (MANE Select); coding-DNA position 11479, G replaced by T.
Protein change: p.Gly3827Cys; replaces glycine 3827 with cysteine.
Molecular consequence: missense variant.
Genome position (GRCh38, 1-based): chr1:21,831,298, C>A on the plus strand (G>T on the coding strand, the complement: HSPG2 is on the minus strand). VCF-style: chr1-21831298-C-A. GRCh37 (hg19) VCF-style: chr1-22157791-C-A.
Other names: c.11482G>T, p.Gly3828Cys (NM_001291860.2); short protein forms G3827C, G3828C.
Identifiers: ClinVar variation 4074522 (VCV004074522.2).
Genomic context (GRCh38, chr1:21,831,298, plus strand): 5'-TGGGGCAGTGGGAGATGCCGTGCGCCGTGAGGTTGAGGTCATGGAAGACGATCTCCTCGC[C>A]CTGGATGCGCAGCTCCCGGACACAGCCTGGGAGGTGAGTGGGCAGGATGAGCACAGGGCA-3'
Protein context (NP_005520.4, residues 3817-3837): IGCVRELRIQ[Gly3827Cys]EEIVFHDLNL